The following is an entry in ClinVar:

NM_000090.4(COL3A1):c.1173del (p.Pro392fs)

Gene: COL3A1 (collagen type III alpha 1 chain; plus strand). Cytogenetic location: 2q32.2.
Variant type: Deletion.
Coding change: c.1173del on transcript NM_000090.4 (MANE Select); coding-DNA position 1173, one base deleted (T; older notation c.1173delT).
Protein change: p.Pro392fs; shifts the reading frame from proline 392.
Molecular consequence: frameshift variant.
Genome position (GRCh38, 1-based): chr2:188,994,061, T deleted. VCF-style (leftmost placement, unchanged base first): chr2-188994060-GT-G. GRCh37 (hg19) VCF-style: chr2-189858786-GT-G.
Other names: c.1173delT (NM_000090.3); short protein forms P392fs.
Identifiers: ClinVar variation 517450 (VCV000517450.4), dbSNP rs1553507863, ClinGen allele CA658796116.

ClinVar aggregate classification (germline): Likely pathogenic (1 of 4 stars; one submission).

Conditions:
Ehlers-Danlos syndrome, type 4 (EDSVASC). Also called: Ehlers-Danlos syndrome vascular type; Ehlers Danlos syndrome, ecchymotic type; Ehlers Danlos syndrome, arterial type; Ehlers Danlos syndrome, Sack-Barabas type; Ehlers-Danlos Syndrome Type IV. Identifiers: Orphanet 286, MedGen C0268338, MONDO:0017314, OMIM 130050.

Submission:

Laboratory for Molecular Medicine, Mass General Brigham Personalized Medicine
Classification: Likely pathogenic for Ehlers-Danlos syndrome, type 4. Last evaluated: 2017-10-17. Review status: criteria provided, single submitter. Criteria: LMM Criteria. Collection method: clinical testing. Allele origin: germline. Inheritance: Autosomal dominant inheritance. Observed: 1 variant allele.
Comment: The p.Pro392fs variant in COL3A1 has not been previously reported in individuals with Ehlers-Danlos Syndrome (EDS) and was absent from large population studies, though the ability of these studies to accurately detect indels may be limited. This variant is predicted to cause a frameshift, which alters the protein?s ami no acid sequence beginning at position 392 and leads to a premature termination codon 18 amino acids downstream. This alteration is then predicted to lead to a truncated or absent protein. Frameshift and other loss of function variants have been reported in association with EDS in the HGMD database (Stenson, 2017). In summary, although additional studies are required to fully establish its clinica l significance, the p.Pro392fs variant is likely pathogenic.

Literature cited by the submitters: PubMed 28349240.